The following is an entry in ClinVar:

ClinVar aggregate classification (germline): Uncertain significance (1 of 4 stars; one submission).

Conditions:
Familial thoracic aortic aneurysm and aortic dissection (TAAD). Also called: Thoracic aortic aneurysms and dissections. Identifiers: Orphanet 91387, MedGen C4707243, MONDO:0019625.

gnomAD v4.1: 1 of 1,612,592 alleles (0.000062%); highest among the groups gnomAD compares: Non-Finnish European, 0.000085%; no homozygotes.

Submission:

Ambry Genetics
Classification: Uncertain significance for Familial thoracic aortic aneurysm and aortic dissection. Last evaluated: 2025-09-17. Review status: criteria provided, single submitter. Criteria: Ambry Variant Classification Scheme 2023. Collection method: clinical testing. Allele origin: germline.
Comment: The p.P1151R variant (also known as c.3452C>G), located in coding exon 21 of the NOTCH1 gene, results from a C to G substitution at nucleotide position 3452. The proline at codon 1151 is replaced by arginine, an amino acid with dissimilar properties. This amino acid position is conserved. In addition, the in silico prediction for this alteration is inconclusive. Based on the available evidence, the clinical significance of this variant remains unclear.

NM_017617.5(NOTCH1):c.3452C>G (p.Pro1151Arg)

Gene: NOTCH1 (notch receptor 1; minus strand). Cytogenetic location: 9q34.3.
Variant type: single nucleotide variant.
Coding change: c.3452C>G on transcript NM_017617.5 (MANE Select); coding-DNA position 3452, C replaced by G.
Protein change: p.Pro1151Arg; replaces proline 1151 with arginine.
Molecular consequence: missense variant.
Genome position (GRCh38, 1-based): chr9:136,508,013, G>C on the plus strand (C>G on the coding strand, the complement: NOTCH1 is on the minus strand). VCF-style: chr9-136508013-G-C. GRCh37 (hg19) VCF-style: chr9-139402465-G-C.
Other names: short protein forms P1151R.
Identifiers: ClinVar variation 4635456 (VCV004635456.1).